The following is an entry in ClinVar:

ClinVar aggregate classification (germline): Uncertain significance (1 of 4 stars; one submission).

Allele frequency attached by ClinVar (database versions not stated): TOPMed below 0.00001; gnomAD 0.00001.

Submission:

Labcorp Genetics (formerly Invitae), Labcorp
Classification: Uncertain significance. Last evaluated: 2022-05-31. Review status: criteria provided, single submitter. Criteria: Invitae Variant Classification Sherloc (09022015). Collection method: clinical testing. Allele origin: germline.
Comment: This variant has not been reported in the literature in individuals affected with TUBGCP6-related conditions. Algorithms developed to predict the effect of missense changes on protein structure and function are either unavailable or do not agree on the potential impact of this missense change (SIFT: "Tolerated"; PolyPhen-2: "Possibly Damaging"; Align-GVGD: "Class C0"). In summary, the available evidence is currently insufficient to determine the role of this variant in disease. Therefore, it has been classified as a Variant of Uncertain Significance. This variant is not present in population databases (gnomAD no frequency). This sequence change replaces leucine, which is neutral and non-polar, with valine, which is neutral and non-polar, at codon 1446 of the TUBGCP6 protein (p.Leu1446Val).

NM_020461.4(TUBGCP6):c.4336C>G (p.Leu1446Val)

Gene: TUBGCP6 (tubulin gamma complex component 6; minus strand). Cytogenetic location: 22q13.33.
Variant type: single nucleotide variant.
Coding change: c.4336C>G on transcript NM_020461.4 (MANE Select); coding-DNA position 4336, C replaced by G.
Protein change: p.Leu1446Val; replaces leucine 1446 with valine.
Molecular consequence: missense variant.
Genome position (GRCh38, 1-based): chr22:50,219,436, G>C on the plus strand (C>G on the coding strand, the complement: TUBGCP6 is on the minus strand). VCF-style: chr22-50219436-G-C. GRCh37 (hg19) VCF-style: chr22-50657865-G-C.
Other names: short protein forms L1446V.
Identifiers: ClinVar variation 2001519 (VCV002001519.4), dbSNP rs1264280996, ClinGen allele CA412172741.